The following is an entry in ClinVar:

ClinVar aggregate classification (germline): Uncertain significance. Review status: criteria provided, multiple submitters, no conflicts (2 of 4 stars). 3 submissions from 3 submitters: Uncertain significance (3). Last evaluated 2025-10-08.

Conditions:
Tumor predisposition syndrome 3 (TPDS3). Also called: Glioma susceptibility 9; LONG TELOMERE SYNDROME, POT1-RELATED; POT1 Tumor Predisposition; Melanoma, cutaneous malignant, susceptibility to, 10. Identifiers: Orphanet 618, MedGen C4014476, MONDO:0014368, OMIM 615848.
Hereditary cancer-predisposing syndrome. Also called: Hereditary neoplastic syndrome; Hereditary Cancer Syndrome; Neoplastic Syndromes, Hereditary; Tumor predisposition. Identifiers: Orphanet 140162, MedGen C0027672, MeSH D009386, MONDO:0015356.

Allele frequency attached by ClinVar (database versions not stated): gnomAD exomes below 0.00001; TOPMed below 0.00001; gnomAD 0.00001.
gnomAD v4.1: 4 of 1,606,286 alleles (0.00025%); highest among the groups gnomAD compares: Non-Finnish European, 0.00034%; no homozygotes.

Submissions (3):

Labcorp Genetics (formerly Invitae), Labcorp
Classification: Uncertain significance for Tumor predisposition syndrome 3. Last evaluated: 2025-10-08. Review status: criteria provided, single submitter. Criteria: Invitae Variant Classification Sherloc (09022015). Collection method: clinical testing. Allele origin: germline.
Comment: This sequence change replaces lysine, which is basic and polar, with arginine, which is basic and polar, at codon 521 of the POT1 protein (p.Lys521Arg). This variant is present in population databases (no rsID available, gnomAD 0.007%). This variant has not been reported in the literature in individuals affected with POT1-related conditions. ClinVar contains an entry for this variant (Variation ID: 475049). Invitae Evidence Modeling of protein sequence and biophysical properties (such as structural, functional, and spatial information, amino acid conservation, physicochemical variation, residue mobility, and thermodynamic stability) indicates that this missense variant is not expected to disrupt POT1 protein function with a negative predictive value of 80%. In summary, the available evidence is currently insufficient to determine the role of this variant in disease. Therefore, it has been classified as a Variant of Uncertain Significance.

Ambry Genetics
Classification: Uncertain significance for Hereditary cancer-predisposing syndrome. Last evaluated: 2024-11-12. Review status: criteria provided, single submitter. Criteria: Ambry Variant Classification Scheme 2023. Collection method: clinical testing. Allele origin: germline.
Comment: The p.K521R variant (also known as c.1562A>G), located in coding exon 12 of the POT1 gene, results from an A to G substitution at nucleotide position 1562. The lysine at codon 521 is replaced by arginine, an amino acid with highly similar properties. This amino acid position is conserved. In addition, this alteration is predicted to be tolerated by in silico analysis. Since supporting evidence is limited at this time, the clinical significance of this alteration remains unclear.

GeneDx
Classification: Uncertain significance. Last evaluated: 2023-10-30. Review status: criteria provided, single submitter. Criteria: GeneDx Variant Classification Process June 2021. Collection method: clinical testing. Allele origin: germline. Affected: yes.
Comment: Not observed at significant frequency in large population cohorts (gnomAD); In silico analysis supports that this missense variant does not alter protein structure/function; Has not been previously published as pathogenic or benign to our knowledge; This variant is associated with the following publications: (PMID: 28393830)

NM_015450.3(POT1):c.1562A>G (p.Lys521Arg)

Gene: POT1 (protection of telomeres 1; minus strand). Cytogenetic location: 7q31.33.
Variant type: single nucleotide variant.
Coding change: c.1562A>G on transcript NM_015450.3 (MANE Select); coding-DNA position 1562, A replaced by G.
Protein change: p.Lys521Arg; replaces lysine 521 with arginine.
Molecular consequence: missense variant. On other transcripts: non-coding transcript variant (2).
Genome position (GRCh38, 1-based): chr7:124,829,286, T>C on the plus strand (A>G on the coding strand, the complement: POT1 is on the minus strand). VCF-style: chr7-124829286-T-C. GRCh37 (hg19) VCF-style: chr7-124469340-T-C.
Other names: c.1169A>G, p.Lys390Arg (NM_001042594.2); short protein forms K521R, K390R.
Identifiers: ClinVar variation 475049 (VCV000475049.15), dbSNP rs1482392861, ClinGen allele CA369064440.